The following is an entry in ClinVar:

NM_000133.4(F9):c.26C>G (p.Ala9Gly)

Gene: F9 (coagulation factor IX; plus strand). Cytogenetic location: Xq27.1.
Variant type: single nucleotide variant.
Coding change: c.26C>G on transcript NM_000133.4 (MANE Select); coding-DNA position 26, C replaced by G.
Protein change: p.Ala9Gly; replaces alanine 9 with glycine.
Molecular consequence: missense variant.
Genome position (GRCh38, 1-based): chrX:139,530,790, C>G. VCF-style: chrX-139530790-C-G. GRCh37 (hg19) VCF-style: chrX-138612949-C-G.
Other names: c.26C>G, p.Ala9Gly (NM_001313913.2); short protein forms A9G.
Identifiers: ClinVar variation 3347354 (VCV003347354.1).

ClinVar aggregate classification (germline): Uncertain significance (0 of 4 stars; one submission).

Conditions:
F9-related disorder. Also called: F9-related condition.

gnomAD v4.1: 1 of 1,210,691 alleles (0.000083%); highest among the groups gnomAD compares: East Asian, 0.003%; no homozygotes.

Submission:

PreventionGenetics, part of Exact Sciences
Classification: Uncertain significance for F9-related condition. Last evaluated: 2024-06-20. Review status: no assertion criteria provided. Collection method: clinical testing. Allele origin: germline.
Comment: The F9 c.26C>G variant is predicted to result in the amino acid substitution p.Ala9Gly. This variant has been reported in an individual with Hemophilia B (Huang et al 2020. PubMed ID: 32875744). This variant is reported in 0.029% of alleles in individuals of East Asian descent in gnomAD. At this time, the clinical significance of this variant is uncertain due to the absence of conclusive functional and genetic evidence.